The following is an entry in ClinVar:

NM_001023570.4(IQCB1):c.1655C>T (p.Ala552Val)

Gene: IQCB1 (IQ motif containing B1; minus strand). Cytogenetic location: 3q13.33.
Variant type: single nucleotide variant.
Coding change: c.1655C>T on transcript NM_001023570.4 (MANE Select); coding-DNA position 1655, C replaced by T.
Protein change: p.Ala552Val; replaces alanine 552 with valine.
Molecular consequence: missense variant. On other transcripts: non-coding transcript variant (1).
Genome position (GRCh38, 1-based): chr3:121,770,487, G>A on the plus strand (C>T on the coding strand, the complement: IQCB1 is on the minus strand). VCF-style: chr3-121770487-G-A. GRCh37 (hg19) VCF-style: chr3-121489334-G-A.
Other names: c.1256C>T, p.Ala419Val (NM_001023571.4); c.1655C>T, p.Ala552Val (NM_001319107.2); short protein forms A419V, A552V.
Identifiers: ClinVar variation 1901736 (VCV001901736.5), dbSNP rs754396690, ClinGen allele CA2567038.
Genomic context (GRCh38, chr3:121,770,487, plus strand): 5'-GATTCTTCTCCAAGCTTCTTCCACCAGGGTGCTTGTATGTGCTTCAGGGTTGTGAGATGG[G>A]CCTGCTTGGCCTTGGCTGCCACAGGCCTGGATCTACTTAGGAAGAGCTCAGGTTCTTTCC-3'
Protein context (NP_001018864.2, residues 542-562): SRPVAAKAKQ[Ala552Val]HLTTLKHIQA

ClinVar aggregate classification (germline): Uncertain significance (1 of 4 stars; one submission).

Conditions:
Nephronophthisis. Also called: Juvenile Nephronophthisis. Identifiers: Orphanet 655, MedGen C0687120, MONDO:0019005, HP:0000090.

Allele frequency attached by ClinVar (database versions not stated): gnomAD exomes below 0.00001; ExAC 0.00002.

Submission:

Labcorp Genetics (formerly Invitae), Labcorp
Classification: Uncertain significance for Nephronophthisis. Last evaluated: 2022-08-09. Review status: criteria provided, single submitter. Criteria: Invitae Variant Classification Sherloc (09022015). Collection method: clinical testing. Allele origin: germline.
Comment: This sequence change replaces alanine, which is neutral and non-polar, with valine, which is neutral and non-polar, at codon 552 of the IQCB1 protein (p.Ala552Val). This variant is present in population databases (rs754396690, gnomAD 0.006%). In summary, the available evidence is currently insufficient to determine the role of this variant in disease. Therefore, it has been classified as a Variant of Uncertain Significance. Algorithms developed to predict the effect of missense changes on protein structure and function (SIFT, PolyPhen-2, Align-GVGD) all suggest that this variant is likely to be tolerated. This variant has not been reported in the literature in individuals affected with IQCB1-related conditions.